The following is an entry in ClinVar:

ClinVar aggregate classification (germline): Uncertain significance (0 of 4 stars; one submission).

Conditions:
KSR2-related disorder. Also called: KSR2-related condition.

Submission:

PreventionGenetics, part of Exact Sciences
Classification: Uncertain significance for KSR2-related condition. Last evaluated: 2024-03-15. Review status: no assertion criteria provided. Collection method: clinical testing. Allele origin: germline.
Comment: The KSR2 c.2462C>G variant is predicted to result in the amino acid substitution p.Pro821Arg. To our knowledge, this variant has not been reported in the literature or in a large population database, indicating this variant is rare. At this time, the clinical significance of this variant is uncertain due to the absence of conclusive functional and genetic evidence.

NM_173598.6(KSR2):c.2549C>G (p.Pro850Arg)

Gene: KSR2 (kinase suppressor of ras 2; minus strand). Cytogenetic location: 12q24.22.
Variant type: single nucleotide variant.
Coding change: c.2549C>G on transcript NM_173598.6 (MANE Select); coding-DNA position 2549, C replaced by G.
Protein change: p.Pro850Arg; replaces proline 850 with arginine.
Molecular consequence: missense variant.
Genome position (GRCh38, 1-based): chr12:117,476,497, G>C on the plus strand (C>G on the coding strand, the complement: KSR2 is on the minus strand). VCF-style: chr12-117476497-G-C. GRCh37 (hg19) VCF-style: chr12-117914302-G-C.
Other names: short protein forms P850R.
Identifiers: ClinVar variation 3350206 (VCV003350206.1).